The following is an entry in ClinVar:

ClinVar aggregate classification (germline): Uncertain significance (1 of 4 stars; one submission).

Conditions:
Inborn genetic diseases. Identifiers: MedGen C0950123, MeSH D030342.

Submission:

Ambry Genetics
Classification: Uncertain significance for Inborn genetic diseases. Last evaluated: 2025-08-09. Review status: criteria provided, single submitter. Criteria: Ambry Variant Classification Scheme 2023. Collection method: clinical testing. Allele origin: germline.
Comment: The p.P927T variant (also known as c.2779C>A), located in coding exon 12 of the BMPR2 gene, results from a C to A substitution at nucleotide position 2779. The proline at codon 927 is replaced by threonine, an amino acid with highly similar properties. This amino acid position is conserved. In addition, this alteration is predicted to be tolerated by in silico analysis. Based on the available evidence, the clinical significance of this variant remains unclear.

NM_001204.7(BMPR2):c.2779C>A (p.Pro927Thr)

Gene: BMPR2 (bone morphogenetic protein receptor type 2; plus strand). Cytogenetic location: 2q33.2.
Variant type: single nucleotide variant.
Coding change: c.2779C>A on transcript NM_001204.7 (MANE Select); coding-DNA position 2779, C replaced by A.
Protein change: p.Pro927Thr; replaces proline 927 with threonine.
Molecular consequence: missense variant.
Genome position (GRCh38, 1-based): chr2:202,556,444, C>A. VCF-style: chr2-202556444-C-A. GRCh37 (hg19) VCF-style: chr2-203421167-C-A.
Other names: short protein forms P927T.
Identifiers: ClinVar variation 4214491 (VCV004214491.1).